The following is an entry in ClinVar:

ClinVar aggregate classification (germline): Likely benign (0 of 4 stars; one submission).

Conditions:
ZFHX4-related disorder. Also called: ZFHX4-related condition.

Submission:

PreventionGenetics, part of Exact Sciences
Classification: Likely benign for ZFHX4-related condition. Last evaluated: 2019-09-18. Review status: no assertion criteria provided. Collection method: clinical testing. Allele origin: germline.
Comment: This variant is classified as likely benign based on ACMG/AMP sequence variant interpretation guidelines (Richards et al. 2015 PMID: 25741868, with internal and published modifications).

NM_024721.5(ZFHX4):c.6103C>T (p.Leu2035=)

Gene: ZFHX4 (zinc finger homeobox 4; plus strand). Cytogenetic location: 8q21.13.
Variant type: single nucleotide variant.
Coding change: c.6103C>T on transcript NM_024721.5 (MANE Select); coding-DNA position 6103, C replaced by T.
Protein change: p.Leu2035=; no amino-acid change (leucine 2035 retained).
Molecular consequence: synonymous variant.
Genome position (GRCh38, 1-based): chr8:76,853,024, C>T. VCF-style: chr8-76853024-C-T. GRCh37 (hg19) VCF-style: chr8-77765260-C-T.
Other names: c.6025C>T, p.Leu2009= (NM_001410934.1).
Identifiers: ClinVar variation 3040704 (VCV003040704.2), dbSNP rs2536398064, ClinGen allele CA461768110.